The following is an entry in ClinVar:

NM_001171.6(ABCC6):c.2047del (p.Val683fs)

Gene: ABCC6 (ATP binding cassette subfamily C member 6; minus strand). Cytogenetic location: 16p13.11.
Variant type: Deletion.
Coding change: c.2047del on transcript NM_001171.6 (MANE Select); coding-DNA position 2047, one base deleted (G; older notation c.2047delG).
Protein change: p.Val683fs; shifts the reading frame from valine 683.
Molecular consequence: frameshift variant. On other transcripts: non-coding transcript variant (1).
Genome position (GRCh38, 1-based): chr16:16,182,827, C deleted on the plus strand (G on the coding strand, the reverse complement: ABCC6 is on the minus strand); the first of 2 consecutive C bases (chr16:16,182,827-16,182,828); deleting either gives the same sequence. VCF-style (leftmost placement, unchanged base first): chr16-16182826-AC-A. GRCh37 (hg19) VCF-style: chr16-16276683-AC-A.
Other names: c.1705del, p.Val569fs (NM_001351800.1); short protein forms V683fs, V569fs.
Identifiers: ClinVar variation 3675870 (VCV003675870.2).
Genomic context (GRCh38, chr16:16,182,826, plus strand): 5'-TGGGGACATCCTAGCAGACAGGCTGGGGGTGGCCTCACCTCGATGCTCACGAACCCCTCC[AC>A]CTTTGACAGCTCCCCAAGGAGGGCGGACAGCAGGGAGGACTTCCCTGCCCCCACTGGACC-3'

ClinVar aggregate classification (germline): Pathogenic (1 of 4 stars; one submission).

Submission:

Labcorp Genetics (formerly Invitae), Labcorp
Classification: Pathogenic. Last evaluated: 2025-03-05. Review status: criteria provided, single submitter. Criteria: Invitae Variant Classification Sherloc (09022015). Collection method: clinical testing. Allele origin: germline.
Comment: This sequence change creates a premature translational stop signal (p.Val683Trpfs*5) in the ABCC6 gene. It is expected to result in an absent or disrupted protein product. Loss-of-function variants in ABCC6 are known to be pathogenic (PMID: 11536079, 17617515). This variant is present in population databases (rs758980634, gnomAD 0.006%). This variant has not been reported in the literature in individuals affected with ABCC6-related conditions. Algorithms developed to predict the effect of sequence changes on RNA splicing suggest that this variant may disrupt the consensus splice site. For these reasons, this variant has been classified as Pathogenic.

Literature cited by the submitters: PubMed 11536079; PubMed 17617515.